The following is an entry in ClinVar:

ClinVar aggregate classification (germline): Uncertain significance (1 of 4 stars; one submission).

Conditions:
Cardiomyopathy (CMYO). Also called: Cardiomyopathies. Identifiers: Orphanet 167848, MedGen C0878544, MONDO:0004994, HP:0001638. Inheritance: Various modes of inheritance.

Submission:

Color Diagnostics, LLC DBA Color Health
Classification: Uncertain significance for Cardiomyopathy. Last evaluated: 2024-03-06. Review status: criteria provided, single submitter. Criteria: ACMG Guidelines, 2015. Collection method: clinical testing. Allele origin: germline.
Comment: This missense variant replaces aspartic acid with glutamic acid at codon 472 of the DSP protein. Computational prediction suggests that this variant may not impact protein structure and function (internally defined REVEL score threshold <= 0.5, PMID: 27666373). Splice site prediction tools suggest that this variant may not impact RNA splicing. To our knowledge, functional studies have not been performed for this variant. This variant has not been reported in individuals affected with cardiovascular disorders in the literature. This variant has not been identified in the general population by the Genome Aggregation Database (gnomAD). The available evidence is insufficient to determine the role of this variant in disease conclusively. Therefore, this variant is classified as a Variant of Uncertain Significance.

NM_004415.4(DSP):c.1416T>G (p.Asp472Glu)

Gene: DSP (desmoplakin; plus strand). Cytogenetic location: 6p24.3.
Variant type: single nucleotide variant.
Coding change: c.1416T>G on transcript NM_004415.4 (MANE Select); coding-DNA position 1416, T replaced by G.
Protein change: p.Asp472Glu; replaces aspartic acid 472 with glutamic acid.
Molecular consequence: missense variant.
Genome position (GRCh38, 1-based): chr6:7,568,586, T>G. VCF-style: chr6-7568586-T-G. GRCh37 (hg19) VCF-style: chr6-7568819-T-G.
Other names: c.1416T>G, p.Asp472Glu (NM_001008844.3, NM_001319034.2); short protein forms D472E.
Identifiers: ClinVar variation 925395 (VCV000925395.4), dbSNP rs1758935121, ClinGen allele CA362676860.